The following is an entry in ClinVar:

NM_016239.4(MYO15A):c.631G>A (p.Glu211Lys)

Gene: MYO15A (myosin XVA; plus strand). Cytogenetic location: 17p11.2.
Variant type: single nucleotide variant.
Coding change: c.631G>A on transcript NM_016239.4 (MANE Select); coding-DNA position 631, G replaced by A.
Protein change: p.Glu211Lys; replaces glutamic acid 211 with lysine.
Molecular consequence: missense variant.
Genome position (GRCh38, 1-based): chr17:18,119,431, G>A. VCF-style: chr17-18119431-G-A. GRCh37 (hg19) VCF-style: chr17-18022745-G-A.
Other names: short protein forms E211K.
Identifiers: ClinVar variation 2389989 (VCV002389989.3), dbSNP rs370573443, ClinGen allele CA8422894.

ClinVar aggregate classification (germline): Uncertain significance. Review status: criteria provided, multiple submitters, no conflicts (2 of 4 stars). 2 submissions from 2 submitters: Uncertain significance (2). Last evaluated 2026-03-06.

Conditions:
Inborn genetic diseases. Identifiers: MedGen C0950123, MeSH D030342.

Allele frequency attached by ClinVar (database versions not stated): gnomAD 0.00007; ExAC 0.00003; TOPMed 0.00004; ESP Exome Variant Server 0.00016.
gnomAD v4.1: 134 of 1,612,254 alleles (0.0083%); highest among the groups gnomAD compares: Non-Finnish European, 0.011%; no homozygotes.

Submissions (2):

GeneDx
Classification: Uncertain significance. Last evaluated: 2026-03-06. Review status: criteria provided, single submitter. Criteria: GeneDx Variant Classification Process June 2021. Collection method: clinical testing. Allele origin: germline.
Comment: Not observed at significant frequency in large population cohorts (gnomAD); In silico analysis suggests that this missense variant does not alter protein structure/function; Has not been previously published as pathogenic or benign to our knowledge

Ambry Genetics
Classification: Uncertain significance for Inborn genetic diseases. Last evaluated: 2022-12-27. Review status: criteria provided, single submitter. Criteria: Ambry Variant Classification Scheme 2023. Collection method: clinical testing. Allele origin: germline.